The following is an entry in ClinVar:

NM_001164508.2(NEB):c.24519C>T (p.Thr8173=)

Genes: NEB (nebulin; minus strand), RIF1 (replication timing regulatory factor 1; plus strand). Cytogenetic location: 2q23.3.
Variant type: single nucleotide variant.
Coding change: c.24519C>T on transcript NM_001164508.2 (MANE Select); coding-DNA position 24519, C replaced by T.
Protein change: p.Thr8173=; no amino-acid change (threonine 8173 retained).
Molecular consequence: synonymous variant.
Genome position (GRCh38, 1-based): chr2:151,494,221, G>A on the plus strand (C>T on the coding strand, the complement: NEB is on the minus strand). VCF-style: chr2-151494221-G-A. GRCh37 (hg19) VCF-style: chr2-152350735-G-A.
Other names: c.24519C>T, p.Thr8173= (NM_001164507.2); c.24624C>T, p.Thr8208= (NM_001271208.2); c.18951C>T, p.Thr6317= (NM_004543.5).
Identifiers: ClinVar variation 513869 (VCV000513869.12), dbSNP rs748978197, ClinGen allele CA1906010.

ClinVar aggregate classification (germline): Likely benign. Review status: criteria provided, multiple submitters, no conflicts (2 of 4 stars). 3 submissions from 3 submitters: Likely benign (3). Last evaluated 2024-03-13.

Conditions:
Nemaline myopathy 2 (NEM2). Also called: Nemaline myopathy 2, autosomal recessive. Identifiers: MedGen C1850569, MONDO:0009725, OMIM 256030.

Allele frequency attached by ClinVar (database versions not stated): TOPMed 0.00002; ExAC 0.00008.
gnomAD v4.1: 14 of 1,605,350 alleles (0.00087%); highest among the groups gnomAD compares: Admixed American, 0.0068%; no homozygotes.

Submissions (3):

Labcorp Genetics (formerly Invitae), Labcorp
Classification: Likely benign for Nemaline myopathy 2. Last evaluated: 2024-03-13. Review status: criteria provided, single submitter. Criteria: Invitae Variant Classification Sherloc (09022015). Collection method: clinical testing. Allele origin: germline.

GeneDx
Classification: Likely benign. Last evaluated: 2017-12-05. Review status: criteria provided, single submitter. Criteria: GeneDx Variant Classification (06012015). Collection method: clinical testing. Allele origin: germline. Affected: yes.
Comment: This variant is considered likely benign or benign based on one or more of the following criteria: it is a conservative change, it occurs at a poorly conserved position in the protein, it is predicted to be benign by multiple in silico algorithms, and/or has population frequency not consistent with disease.

Breakthrough Genomics
Classification: Likely benign. Review status: criteria provided, single submitter. Criteria: ACMG Guidelines, 2015. Collection method: not provided. Allele origin: germline. Inheritance: Autosomal recessive inheritance. Affected: yes.